The following is an entry in ClinVar:

ClinVar aggregate classification (germline): Uncertain significance (1 of 4 stars; one submission).

Conditions:
TREX1-related disorder. Also called: TREX1-related condition; TREX1-related disorders. Identifiers: MedGen CN239414.

gnomAD v4.1: 31 of 1,613,862 alleles (0.0019%); highest among the groups gnomAD compares: Admixed American, 0.018%; no homozygotes.

Submission:

PreventionGenetics, part of Exact Sciences
Classification: Uncertain significance for TREX1-related condition. Last evaluated: 2026-06-22. Review status: criteria provided, single submitter. Criteria: ACMG Guidelines, 2015. Collection method: clinical testing. Allele origin: germline.
Comment: The TREX1 c.17G>A variant is predicted to result in the amino acid substitution p.Arg6His. To our knowledge, this variant has not been reported in the literature. This variant is reported in 0.017% of alleles in individuals of Latino descent in gnomAD. At this time, the clinical significance of this variant is uncertain due to the absence of conclusive functional and genetic evidence.

NM_033629.6(TREX1):c.-26-123G>A

Genes: ATRIP (ATR interacting protein; plus strand), ATRIP-TREX1 (ATRIP-TREX1 readthrough; plus strand), TREX1 (three prime repair exonuclease 1; plus strand). Cytogenetic location: 3p21.31.
Variant type: single nucleotide variant.
Coding change: c.-26-123G>A on transcript NM_033629.6 (MANE Select); 123 bases into the intron before 26 bases upstream of the start codon, G replaced by A.
Molecular consequence: intron variant. On other transcripts: 3 prime UTR variant (4).
Genome position (GRCh38, 1-based): chr3:48,466,507, G>A. VCF-style: chr3-48466507-G-A. GRCh37 (hg19) VCF-style: chr3-48507906-G-A.
Other names: NM_016381.5:c.17G>A; c.*953G>A (NM_001271022.2, NM_001271023.2, NM_032166.4 and 1 more transcripts); c.-18-161G>A (NM_007248.5).
Identifiers: ClinVar variation 4981033 (VCV004981033.1).